The following is an entry in ClinVar:

NM_001035.3(RYR2):c.7513-51A>G

Gene: RYR2 (ryanodine receptor 2; plus strand). Cytogenetic location: 1q43.
Variant type: single nucleotide variant.
Coding change: c.7513-51A>G on transcript NM_001035.3 (MANE Select); 51 bases into the intron before coding-DNA position 7513, A replaced by G.
Molecular consequence: intron variant.
Genome position (GRCh38, 1-based): chr1:237,649,826, A>G. VCF-style: chr1-237649826-A-G. GRCh37 (hg19) VCF-style: chr1-237813126-A-G.
Identifiers: ClinVar variation 671777 (VCV000671777.2), dbSNP rs625006, ClinGen allele CA10757338.

ClinVar aggregate classification (germline): Benign. Review status: criteria provided, multiple submitters, no conflicts (2 of 4 stars). 2 submissions from 2 submitters: Benign (2). Last evaluated 2018-06-15.

Allele frequency attached by ClinVar (database versions not stated): gnomAD exomes 0.46955; gnomAD 0.48907 and 0.49462; TOPMed 0.49682; 1000 Genomes Project 30x 0.56699; 1000 Genomes Project 0.57308.
gnomAD v4.1: 719,307 of 1,522,030 alleles (47%); highest among the groups gnomAD compares: East Asian, 83%; 174,789 homozygotes.

Submissions (2):

GeneDx
Classification: Benign. Last evaluated: 2018-06-15. Review status: criteria provided, single submitter. Criteria: GeneDx Variant Classification (06012015). Collection method: clinical testing. Allele origin: germline. Affected: yes.
Comment: This variant is considered likely benign or benign based on one or more of the following criteria: it is a conservative change, it occurs at a poorly conserved position in the protein, it is predicted to be benign by multiple in silico algorithms, and/or has population frequency not consistent with disease.

Breakthrough Genomics
Classification: Benign. Review status: criteria provided, single submitter. Criteria: ACMG Guidelines, 2015. Collection method: not provided. Allele origin: germline. Inheritance: Autosomal dominant inheritance. Affected: yes.